The following is an entry in ClinVar:

NM_000516.7(GNAS):c.12C>T (p.Leu4=)

Gene: GNAS (GNAS complex locus; plus strand). Cytogenetic location: 20q13.32.
Variant type: single nucleotide variant.
Coding change: c.12C>T on transcript NM_000516.7 (MANE Select); coding-DNA position 12, C replaced by T.
Protein change: p.Leu4=; no amino-acid change (leucine 4 retained).
Molecular consequence: synonymous variant. On other transcripts: intron variant (8).
Genome position (GRCh38, 1-based): chr20:58,891,738, C>T. VCF-style: chr20-58891738-C-T. GRCh37 (hg19) VCF-style: chr20-57466793-C-T.
Other names: c.*159-3874C>T (NM_001309883.1); c.-39+2385C>T (NM_001309840.2); c.12C>T (NM_000516.5); c.12C>T, p.Leu4= (NM_001077488.5, NM_001077489.4, NM_001309842.2 and 1 more transcripts); c.*43-3874C>T (NM_016592.5); c.44-3874C>T (NM_001410912.1); c.-38-3874C>T (NM_001309861.2); c.*1-3874C>T (NM_001077490.3); and 1 more.
Identifiers: ClinVar variation 2975794 (VCV002975794.4), dbSNP rs531486518, ClinGen allele CA9926867.

ClinVar aggregate classification (germline): Benign/Likely benign. Review status: criteria provided, multiple submitters, no conflicts (2 of 4 stars). 2 submissions from 2 submitters: Benign (1); Likely benign (1). Last evaluated 2025-06-11.

Conditions:
GNAS-related disorder. Identifiers: MedGen CN380105.

Allele frequency attached by ClinVar (database versions not stated): gnomAD 0.00006; 1000 Genomes Project 30x 0.00047; 1000 Genomes Project 0.00080.
gnomAD v4.1: 74 of 1,190,518 alleles (0.0062%); highest among the groups gnomAD compares: South Asian, 0.11%; no homozygotes.

Submissions (2):

PreventionGenetics, part of Exact Sciences
Classification: Likely benign for GNAS-related condition. Last evaluated: 2025-06-11. Review status: criteria provided, single submitter. Criteria: ACMG Guidelines, 2015. Collection method: clinical testing. Allele origin: germline.
Comment: This variant is classified as likely benign based on ACMG/AMP sequence variant interpretation guidelines (Richards et al. 2015 PMID: 25741868, with internal and published modifications).

Labcorp Genetics (formerly Invitae), Labcorp
Classification: Benign. Last evaluated: 2023-05-19. Review status: criteria provided, single submitter. Criteria: Invitae Variant Classification Sherloc (09022015). Collection method: clinical testing. Allele origin: germline.